The following is an entry in ClinVar:

ClinVar aggregate classification (germline): Conflicting classifications of pathogenicity. Review status: criteria provided, conflicting classifications (1 of 4 stars). 7 submissions from 6 submitters: Uncertain significance (4); Likely benign (3). Last evaluated 2025-12-21.

Conditions:
Autosomal dominant cerebellar ataxia. Also called: Spinocerebellar Ataxia, Dominant. Identifiers: Orphanet 99, MedGen C4087347, MONDO:0020380.
Inborn genetic diseases. Identifiers: MedGen C0950123, MeSH D030342.
Charcot-Marie-Tooth disease axonal type 2O. Also called: Charcot-Marie-Tooth Neuropathy Type 2O; Charcot-Marie-Tooth disease, axonal, type 20; CHARCOT-MARIE-TOOTH NEUROPATHY, AXONAL, TYPE 2O; CHARCOT-MARIE-TOOTH DISEASE, AXONAL, AUTOSOMAL DOMINANT, TYPE 2O. Identifiers: Orphanet 284232, MedGen C3280220, MONDO:0013644, OMIM 614228.

Allele frequency attached by ClinVar (database versions not stated): gnomAD 0.00003; gnomAD exomes 0.00003 and 0.00004; ExAC 0.00004; TOPMed 0.00004; ESP Exome Variant Server 0.00008.
gnomAD v4.1: 43 of 1,613,136 alleles (0.0027%); highest among the groups gnomAD compares: Admixed American, 0.013%; no homozygotes.

Submissions (7):

Labcorp Genetics (formerly Invitae), Labcorp
Classification: Uncertain significance for Charcot-Marie-Tooth disease axonal type 2O. Last evaluated: 2025-12-21. Review status: criteria provided, single submitter. Criteria: Invitae Variant Classification Sherloc (09022015). Collection method: clinical testing. Allele origin: germline.
Comment: This sequence change falls in intron 60 of the DYNC1H1 gene. It does not directly change the encoded amino acid sequence of the DYNC1H1 protein. It affects a nucleotide within the consensus splice site. This variant is present in population databases (rs201518717, gnomAD 0.01%). This variant has not been reported in the literature in individuals affected with DYNC1H1-related conditions. ClinVar contains an entry for this variant (Variation ID: 312652). Variants that disrupt the consensus splice site are a relatively common cause of aberrant splicing (PMID: 17576681, 9536098). Algorithms developed to predict the effect of sequence changes on RNA splicing suggest that this variant is not likely to affect RNA splicing. In summary, the available evidence is currently insufficient to determine the role of this variant in disease. Therefore, it has been classified as a Variant of Uncertain Significance.

Women's Health and Genetics/Laboratory Corporation of America, LabCorp
Classification: Uncertain significance. Last evaluated: 2023-12-07. Review status: criteria provided, single submitter. Criteria: LabCorp Variant Classification Summary - May 2015. Collection method: clinical testing. Allele origin: germline.
Comment: Variant summary: DYNC1H1 c.11460+4G>A alters a non-conserved nucleotide located close to a canonical splice site and therefore could affect mRNA splicing, leading to a significantly altered protein sequence. Consensus agreement among computation tools predict no significant impact on normal splicing. However, these predictions have yet to be confirmed by functional studies. The variant allele was found at a frequency of 4.4e-05 in 250794 control chromosomes. This frequency is not significantly higher than estimated for a pathogenic variant in DYNC1H1 causing DYNC1H1-Related Disorders (4.4e-05 vs ND), allowing no conclusion about variant significance. To our knowledge, no occurrence of c.11460+4G>A in individuals affected with DYNC1H1-Related Disorders and no experimental evidence demonstrating its impact on protein function have been reported. Five submitters have cited clinical-significance assessments for this variant to ClinVar after 2014 and classified as likely benign (n=3) and VUS (n=2). Based on the evidence outlined above, the variant was classified as uncertain significance.

CeGaT Center for Human Genetics Tuebingen
Classification: Likely benign. Last evaluated: 2022-11-01. Review status: criteria provided, single submitter. Criteria: CeGaT Center For Human Genetics Tuebingen Variant Classification Criteria Version 2. Collection method: clinical testing. Allele origin: germline. Affected: yes. Observed: 1 variant allele.
Comment: DYNC1H1: BP4

GeneDx
Classification: Likely benign. Last evaluated: 2021-01-19. Review status: criteria provided, single submitter. Criteria: GeneDx Variant Classification Process June 2021. Collection method: clinical testing. Allele origin: germline. Affected: yes.

Ambry Genetics
Classification: Likely benign for Inborn genetic diseases. Last evaluated: 2020-01-10. Review status: criteria provided, single submitter. Criteria: Ambry Variant Classification Scheme 2023. Collection method: clinical testing. Allele origin: germline.

Illumina Laboratory Services, Illumina
Classification: Uncertain significance for Spinocerebellar Ataxia, Dominant. Last evaluated: 2018-01-12. Review status: criteria provided, single submitter. Criteria: ICSL Variant Classification Criteria 13 December 2019. Collection method: clinical testing. Allele origin: germline.

Illumina Laboratory Services, Illumina
Classification: Uncertain significance for Charcot-Marie-Tooth disease axonal type 2O. Last evaluated: 2018-01-12. Review status: criteria provided, single submitter. Criteria: ICSL Variant Classification Criteria 13 December 2019. Collection method: clinical testing. Allele origin: germline.

Literature cited by the submitters: PubMed 17576681 (cited by Labcorp Genetics (formerly Invitae), Labcorp); PubMed 9536098 (cited by Labcorp Genetics (formerly Invitae), Labcorp).

NM_001376.5(DYNC1H1):c.11460+4G>A

Gene: DYNC1H1 (dynein cytoplasmic 1 heavy chain 1; plus strand). Cytogenetic location: 14q32.31.
Variant type: single nucleotide variant.
Coding change: c.11460+4G>A on transcript NM_001376.5 (MANE Select); 4 bases into the intron after coding-DNA position 11460, G replaced by A.
Molecular consequence: intron variant.
Genome position (GRCh38, 1-based): chr14:102,039,258, G>A. VCF-style: chr14-102039258-G-A. GRCh37 (hg19) VCF-style: chr14-102505595-G-A.
Identifiers: ClinVar variation 312652 (VCV000312652.41), dbSNP rs201518717, ClinGen allele CA7353590.